The following is an entry in ClinVar:

NM_001042492.3(NF1):c.6006+1G>A

Gene: NF1 (neurofibromin 1; plus strand). Cytogenetic location: 17q11.2.
Variant type: single nucleotide variant.
Coding change: c.6006+1G>A on transcript NM_001042492.3 (MANE Select); the canonical splice donor site of the intron after coding-DNA position 6006, G replaced by A.
Molecular consequence: splice donor variant.
Genome position (GRCh38, 1-based): chr17:31,335,032, G>A. VCF-style: chr17-31335032-G-A. GRCh37 (hg19) VCF-style: chr17-29662050-G-A.
Other names: c.5943+1G>A (NM_000267.4).
Identifiers: ClinVar variation 488817 (VCV000488817.21), dbSNP rs1555534433, ClinGen allele CA399010982.

ClinVar aggregate classification (germline): Pathogenic. Review status: criteria provided, multiple submitters, no conflicts (2 of 4 stars). 7 submissions from 7 submitters: Pathogenic (7). Last evaluated 2026-03-03.

Conditions:
Neurofibromatosis, type 1 (NF1). Also called: Peripheral type neurofibromatosis; NEUROFIBROMATOSIS, TYPE I, SOMATIC; VON RECKLINGHAUSEN DISEASE; Neurofibromatosis, type I. Identifiers: Orphanet 636, MedGen C0027831, MONDO:0018975, OMIM 162200. Disease mechanism: loss of function.
Juvenile myelomonocytic leukemia (JMML). Also called: LEUKEMIA, JUVENILE MYELOMONOCYTIC, SOMATIC. Identifiers: Orphanet 86834, MedGen C0349639, MONDO:0011908, OMIM 607785, HP:0012209.
Neurofibromatosis, familial spinal (FSNF). Identifiers: Orphanet 636, MedGen C1834235, MONDO:0008078, OMIM 162210. Disease mechanism: loss of function.
Neurofibromatosis-Noonan syndrome (NFNS). Also called: NEUROFIBROMATOSIS WITH NOONAN PHENOTYPE. Identifiers: Orphanet 638, MedGen C2931482, MONDO:0011035, OMIM 601321. Disease mechanism: loss of function.
Café-au-lait macules with pulmonary stenosis (WTSN). Also called: PULMONIC STENOSIS WITH CAFE-AU-LAIT SPOTS. Identifiers: MedGen C0553586, MONDO:0008672, OMIM 193520.
Cardiovascular phenotype. Identifiers: MedGen CN230736.
Hereditary cancer-predisposing syndrome. Also called: Tumor predisposition; Hereditary Cancer Syndrome; Neoplastic Syndromes, Hereditary; Hereditary neoplastic syndrome. Identifiers: Orphanet 140162, MedGen C0027672, MeSH D009386, MONDO:0015356.

Submissions (7):

Myriad Genetics, Inc.
Classification: Pathogenic for Neurofibromatosis, type 1. Last evaluated: 2026-03-03. Review status: criteria provided, single submitter. Criteria: Myriad Autosomal Dominant, Autosomal Recessive and X-Linked Classification Criteria (2023). Collection method: clinical testing. Allele origin: unknown.
Comment: This variant is considered pathogenic. This variant occurs within a consensus splice junction and is predicted to result in abnormal mRNA splicing of either an out-of-frame exon or an in-frame exon necessary for protein stability and/or normal function. This variant has been reported in multiple individuals with clinical features of gene-specific disease [PMID: 36612057, 25541118, 18484666, 28891274, 15060124, 23913538].

Labcorp Genetics (formerly Invitae), Labcorp
Classification: Pathogenic for Neurofibromatosis, type 1. Last evaluated: 2025-06-22. Review status: criteria provided, single submitter. Criteria: Invitae Variant Classification Sherloc (09022015). Collection method: clinical testing. Allele origin: germline.
Comment: This sequence change affects a donor splice site in intron 39 of the NF1 gene. It is expected to disrupt RNA splicing. Variants that disrupt the donor or acceptor splice site typically lead to a loss of protein function (PMID: 16199547), and loss-of-function variants in NF1 are known to be pathogenic (PMID: 10712197, 23913538). This variant is not present in population databases (gnomAD no frequency). Disruption of this splice site has been observed in individuals with neurofibromatosis type I (PMID: 10712197, 28891274). Invitae Evidence Modeling of clinical and family history, age, sex, and reported ancestry of multiple individuals with this NF1 variant has been performed. This variant is expected to be pathogenic with a positive predictive value of at least 99%. This is a validated machine learning model that incorporates the clinical features of 1,785,918 individuals referred to our laboratory for NF1 testing. ClinVar contains an entry for this variant (Variation ID: 488817). Algorithms developed to predict the effect of sequence changes on RNA splicing suggest that this variant may disrupt the consensus splice site. For these reasons, this variant has been classified as Pathogenic.

Ambry Genetics
Classification: Pathogenic for Cardiovascular phenotype; Hereditary cancer-predisposing syndrome. Last evaluated: 2023-04-21. Review status: criteria provided, single submitter. Criteria: Ambry Variant Classification Scheme 2023. Collection method: clinical testing. Allele origin: germline.
Comment: The c.5943+1G>A intronic pathogenic mutation results from a G to A substitution one nucleotide after coding exon 39 of the NF1 gene. This mutation was identified in one individual from a cohort of 521 German and Turkish patients with a clinical diagnosis of neurofibromatosis type I (Fahsold R et al. Am J Hum Genet, 2000 Mar;66:790-818). This variant is considered to be rare based on population cohorts in the Genome Aggregation Database (gnomAD). In silico splice site analysis predicts that this alteration will weaken the native splice donor site and will result in the creation or strengthening of a novel splice donor site. RNA studies have demonstrated that this alteration results in abnormal splicing in the set of samples tested (Ambry internal data). Alterations that disrupt the canonical splice site are expected to cause aberrant splicing, resulting in an abnormal protein or a transcript that is subject to nonsense-mediated mRNA decay. Based on the supporting evidence, this alteration is interpreted as a disease-causing mutation.

Genome-Nilou Lab
Classification: Pathogenic for Neurofibromatosis, type 1. Last evaluated: 2022-03-15. Review status: criteria provided, single submitter. Criteria: ACMG Guidelines, 2015. Collection method: clinical testing. Allele origin: germline. Affected: no.

GeneDx
Classification: Pathogenic. Last evaluated: 2020-07-17. Review status: criteria provided, single submitter. Criteria: GeneDx Variant Classification Process June 2021. Collection method: clinical testing. Allele origin: germline. Affected: yes.
Comment: Not observed in large population cohorts (Lek et al., 2016); This variant is associated with the following publications: (PMID: 10712197)

Fulgent Genetics
Classification: Pathogenic for Neurofibromatosis, type 1; Neurofibromatosis, familial spinal; Café-au-lait macules with pulmonary stenosis; Neurofibromatosis-Noonan syndrome; Juvenile myelomonocytic leukemia. Last evaluated: 2018-10-31. Review status: criteria provided, single submitter. Criteria: ACMG Guidelines, 2015. Collection method: clinical testing. Allele origin: unknown.

Juno Genomics, Hangzhou Juno Genomics, Inc
Classification: Pathogenic for Neurofibromatosis, type 1. Review status: criteria provided, single submitter. Criteria: ACMG Guidelines, 2015. Collection method: clinical testing. Allele origin: germline. Affected: yes.
Comment: Absent from controls (or at extremely low frequency if recessive) in Genome Aggregation Database, Exome Sequencing Project, 1000 Genomes Project, or Exome Aggregation Consortium.;Null variant in a gene where loss of function (LOF) is a known mechanism of disease.;The prevalence of the variant in affected individuals is significantly increased compared to the prevalence in controls.;Patient's phenotype or family history is highly specific for a disease with a single genetic etiology.

Literature cited by the submitters: PubMed 36612057 (cited by Myriad Genetics, Inc.); PubMed 25541118 (cited by Myriad Genetics, Inc.); PubMed 18484666 (cited by Myriad Genetics, Inc.); PubMed 28891274 (cited by Myriad Genetics, Inc. and Labcorp Genetics (formerly Invitae), Labcorp); PubMed 15060124 (cited by Myriad Genetics, Inc.); PubMed 23913538 (cited by Myriad Genetics, Inc. and Labcorp Genetics (formerly Invitae), Labcorp); PubMed 16199547 (cited by Labcorp Genetics (formerly Invitae), Labcorp); PubMed 10712197 (cited by Labcorp Genetics (formerly Invitae), Labcorp).